The following is an entry in ClinVar:

ClinVar aggregate classification (germline): Uncertain significance (1 of 4 stars; one submission).

Allele frequency attached by ClinVar (database versions not stated): gnomAD 0.00001; TOPMed 0.00001; gnomAD exomes 0.00002 and 0.00004.
gnomAD v4.1: 11 of 1,613,974 alleles (0.00068%); highest among the groups gnomAD compares: Admixed American, 0.017%; no homozygotes.

Submission:

GeneDx
Classification: Uncertain significance. Last evaluated: 2021-11-29. Review status: criteria provided, single submitter. Criteria: GeneDx Variant Classification Process June 2021. Collection method: clinical testing. Allele origin: germline. Affected: yes.
Comment: In silico analysis supports that this missense variant does not alter protein structure/function; Has not been previously published as pathogenic or benign to our knowledge

NM_001042702.5(PJVK):c.154A>T (p.Thr52Ser)

Gene: PJVK (pejvakin; plus strand). Cytogenetic location: 2q31.2.
Variant type: single nucleotide variant.
Coding change: c.154A>T on transcript NM_001042702.5 (MANE Select); coding-DNA position 154, A replaced by T.
Protein change: p.Thr52Ser; replaces threonine 52 with serine.
Molecular consequence: missense variant. On other transcripts: 5 prime UTR variant (2).
Genome position (GRCh38, 1-based): chr2:178,453,563, A>T. VCF-style: chr2-178453563-A-T. GRCh37 (hg19) VCF-style: chr2-179318290-A-T.
Other names: c.163A>T, p.Thr55Ser (NM_001353775.2); c.259A>T, p.Thr87Ser (NM_001353776.2); c.-324A>T (NM_001353777.1, NM_001353778.2); c.154A>T, p.Thr52Ser (NM_001369912.1); short protein forms T52S, T55S, T87S.
Identifiers: ClinVar variation 1327387 (VCV001327387.2), dbSNP rs1240571156, ClinGen allele CA349397424.